The following is an entry in ClinVar:

NM_004444.5(EPHB4):c.1481T>C (p.Leu494Pro)

Gene: EPHB4 (EPH receptor B4; minus strand). Cytogenetic location: 7q22.1.
Variant type: single nucleotide variant.
Coding change: c.1481T>C on transcript NM_004444.5 (MANE Select); coding-DNA position 1481, T replaced by C.
Protein change: p.Leu494Pro; replaces leucine 494 with proline.
Molecular consequence: missense variant.
Genome position (GRCh38, 1-based): chr7:100,817,299, A>G on the plus strand (T>C on the coding strand, the complement: EPHB4 is on the minus strand). VCF-style: chr7-100817299-A-G. GRCh37 (hg19) VCF-style: chr7-100414921-A-G.
Other names: short protein forms L494P.
Identifiers: ClinVar variation 2078593 (VCV002078593.5), dbSNP rs2485028492, ClinGen allele CA368572952.

ClinVar aggregate classification (germline): Likely pathogenic. Review status: criteria provided, multiple submitters, no conflicts (2 of 4 stars). 2 submissions from 2 submitters: Likely pathogenic (2). Last evaluated 2024-10-15.

Conditions:
EPHB4-related disorder. Also called: EPHB4-related disorders; EPHB4-related condition.

Allele frequency attached by ClinVar (database versions not stated): gnomAD exomes below 0.00001.

Submissions (2):

Blueprint Genetics
Classification: Likely pathogenic for EPHB4-related disorders. Last evaluated: 2024-10-15. Review status: criteria provided, single submitter. Criteria: ACMG Guidelines, 2015. Collection method: clinical testing. Allele origin: germline. Affected: yes. Observed: 3 variant alleles.

Labcorp Genetics (formerly Invitae), Labcorp
Classification: Likely pathogenic. Last evaluated: 2022-02-08. Review status: criteria provided, single submitter. Criteria: Invitae Variant Classification Sherloc (09022015). Collection method: clinical testing. Allele origin: germline.
Comment: Algorithms developed to predict the effect of missense changes on protein structure and function (SIFT, PolyPhen-2, Align-GVGD) all suggest that this variant is likely to be disruptive. In summary, the currently available evidence indicates that the variant is pathogenic, but additional data are needed to prove that conclusively. Therefore, this variant has been classified as Likely Pathogenic. This missense change has been observed in individual(s) with capillary malformation-arteriovenous malformations (CM-AVM) (Invitae). In at least one individual the variant was observed to be de novo. This variant is not present in population databases (gnomAD no frequency). This sequence change replaces leucine, which is neutral and non-polar, with proline, which is neutral and non-polar, at codon 494 of the EPHB4 protein (p.Leu494Pro).